The following is an entry in ClinVar:

NM_020719.3(PRR12):c.5490C>T (p.Ser1830=)

Gene: PRR12 (proline rich 12; plus strand). Cytogenetic location: 19q13.33.
Variant type: single nucleotide variant.
Coding change: c.5490C>T on transcript NM_020719.3 (MANE Select); coding-DNA position 5490, C replaced by T.
Protein change: p.Ser1830=; no amino-acid change (serine 1830 retained).
Molecular consequence: synonymous variant.
Genome position (GRCh38, 1-based): chr19:49,616,212, C>T. VCF-style: chr19-49616212-C-T. GRCh37 (hg19) VCF-style: chr19-50119469-C-T.
Identifiers: ClinVar variation 4681461 (VCV004681461.5).

ClinVar aggregate classification (germline): Likely benign (1 of 4 stars; one submission).

gnomAD v4.1: 62 of 1,531,264 alleles (0.004%); highest among the groups gnomAD compares: African/African-American, 0.034%; no homozygotes.

Submission:

CeGaT Center for Human Genetics Tuebingen
Classification: Likely benign. Last evaluated: 2026-02-01. Review status: criteria provided, single submitter. Criteria: CeGaT Center For Human Genetics Tuebingen Variant Classification Criteria Version 2. Collection method: clinical testing. Allele origin: germline. Affected: yes. Observed: 2 variant alleles.
Comment: PRR12: BP4, BP7